The following is an entry in ClinVar:

ClinVar aggregate classification (germline): Uncertain significance (1 of 4 stars; one submission).

Conditions:
Singleton-Merten syndrome 1 (SGMRT1). Also called: Widened medullary cavities of bone, aortic calcification, abnormal dentition, and muscular weakness; Syndrome of widened medullary cavities of the metacarpals and phalanges, aortic calcification and abnormal dentition. Identifiers: Orphanet 85191, MedGen C4225427, MONDO:0024535, OMIM 182250.
Aicardi-Goutieres syndrome 7 (AGS7). Identifiers: Orphanet 51, MedGen C3888244, MONDO:0014367, OMIM 615846.

Allele frequency attached by ClinVar (database versions not stated): TOPMed below 0.00001; ExAC 0.00003; 1000 Genomes Project 30x 0.00016; 1000 Genomes Project 0.00020; gnomAD exomes 0.00001; gnomAD 0.00001.
gnomAD v4.1: 23 of 1,610,594 alleles (0.0014%); highest among the groups gnomAD compares: South Asian, 0.0033%; no homozygotes.

Submission:

Labcorp Genetics (formerly Invitae), Labcorp
Classification: Uncertain significance for Aicardi-Goutieres syndrome 7; Singleton-Merten syndrome 1. Last evaluated: 2026-01-19. Review status: criteria provided, single submitter. Criteria: Invitae Variant Classification Sherloc (09022015). Collection method: clinical testing. Allele origin: germline.
Comment: This sequence change replaces alanine, which is neutral and non-polar, with valine, which is neutral and non-polar, at codon 870 of the IFIH1 protein (p.Ala870Val). This variant is present in population databases (rs566965537, gnomAD 0.007%). This variant has not been reported in the literature in individuals affected with IFIH1-related conditions. ClinVar contains an entry for this variant (Variation ID: 2932751). Invitae Evidence Modeling of protein sequence and biophysical properties (such as structural, functional, and spatial information, amino acid conservation, physicochemical variation, residue mobility, and thermodynamic stability) has been performed for this missense variant. However, the output from this modeling did not meet the statistical confidence thresholds required to predict the impact of this variant on IFIH1 protein function. In summary, the available evidence is currently insufficient to determine the role of this variant in disease. Therefore, it has been classified as a Variant of Uncertain Significance.

NM_022168.4(IFIH1):c.2609C>T (p.Ala870Val)

Gene: IFIH1 (interferon induced with helicase C domain 1; minus strand). Cytogenetic location: 2q24.2.
Variant type: single nucleotide variant.
Coding change: c.2609C>T on transcript NM_022168.4 (MANE Select); coding-DNA position 2609, C replaced by T.
Protein change: p.Ala870Val; replaces alanine 870 with valine.
Molecular consequence: missense variant.
Genome position (GRCh38, 1-based): chr2:162,272,233, G>A on the plus strand (C>T on the coding strand, the complement: IFIH1 is on the minus strand). VCF-style: chr2-162272233-G-A. GRCh37 (hg19) VCF-style: chr2-163128743-G-A.
Other names: short protein forms A870V.
Identifiers: ClinVar variation 2932751 (VCV002932751.3), dbSNP rs566965537, ClinGen allele CA1934133.
Genomic context (GRCh38, chr2:162,272,233, plus strand): 5'-CCACATGCCGCCATTTTTAAATGAAAATCAAATTCAGAGGTGACCAACAATACCTTATGA[G>A]CATACTCCTCTGGTTTCATATTTTGAACACAATGTATAGCTTTATACATCATCTTCTCTC-3'
Protein context (NP_071451.2, residues 860-880): CVQNMKPEEY[Ala870Val]HKILELQMQS